The following is an entry in ClinVar:

ClinVar aggregate classification (germline): Uncertain significance. Review status: criteria provided, multiple submitters, no conflicts (2 of 4 stars). 2 submissions from 2 submitters: Uncertain significance (2). Last evaluated 2023-04-14.

Conditions:
Hereditary cancer-predisposing syndrome. Also called: Neoplastic Syndromes, Hereditary; Hereditary Cancer Syndrome; Tumor predisposition; Hereditary neoplastic syndrome. Identifiers: Orphanet 140162, MedGen C0027672, MeSH D009386, MONDO:0015356.
Familial adenomatous polyposis 1 (FAP1). Also called: FAMILIAL ADENOMATOUS POLYPOSIS 1, ATTENUATED; POLYPOSIS, ADENOMATOUS INTESTINAL. Identifiers: MedGen C2713442, MONDO:0021056, OMIM 175100. Disease mechanism: loss of function.

Submissions (2):

Ambry Genetics
Classification: Uncertain significance for Hereditary cancer-predisposing syndrome. Last evaluated: 2023-04-14. Review status: criteria provided, single submitter. Criteria: Ambry Variant Classification Scheme 2023. Collection method: clinical testing. Allele origin: germline.
Comment: The p.K2259T variant (also known as c.6776A>C), located in coding exon 15 of the APC gene, results from an A to C substitution at nucleotide position 6776. The lysine at codon 2259 is replaced by threonine, an amino acid with similar properties. This amino acid position is conserved. In addition, in silico predictors for this gene do not accurately predict pathogenicity. Since supporting evidence is limited at this time, the clinical significance of this alteration remains unclear.

Labcorp Genetics (formerly Invitae), Labcorp
Classification: Uncertain significance for Familial adenomatous polyposis 1. Last evaluated: 2022-03-07. Review status: criteria provided, single submitter. Criteria: Invitae Variant Classification Sherloc (09022015). Collection method: clinical testing. Allele origin: germline.
Comment: In summary, the available evidence is currently insufficient to determine the role of this variant in disease. Therefore, it has been classified as a Variant of Uncertain Significance. Algorithms developed to predict the effect of missense changes on protein structure and function are either unavailable or do not agree on the potential impact of this missense change (SIFT: "Tolerated"; PolyPhen-2: "Probably Damaging"; Align-GVGD: "Class C0"). ClinVar contains an entry for this variant (Variation ID: 971770). This variant has not been reported in the literature in individuals affected with APC-related conditions. This variant is not present in population databases (gnomAD no frequency). This sequence change replaces lysine, which is basic and polar, with threonine, which is neutral and polar, at codon 2259 of the APC protein (p.Lys2259Thr).

NM_000038.6(APC):c.6776A>C (p.Lys2259Thr)

Gene: APC (APC regulator of Wnt signaling pathway; plus strand). Cytogenetic location: 5q22.2.
Variant type: single nucleotide variant.
Coding change: c.6776A>C on transcript NM_000038.6 (MANE Select); coding-DNA position 6776, A replaced by C.
Protein change: p.Lys2259Thr; replaces lysine 2259 with threonine.
Molecular consequence: missense variant.
Genome position (GRCh38, 1-based): chr5:112,842,370, A>C. VCF-style: chr5-112842370-A-C. GRCh37 (hg19) VCF-style: chr5-112178067-A-C.
Other names: c.6776A>C, p.Lys2259Thr (NM_001127510.3, NM_001354895.2); c.6722A>C, p.Lys2241Thr (NM_001127511.3); c.6830A>C, p.Lys2277Thr (NM_001354896.2); c.6806A>C, p.Lys2269Thr (NM_001354897.2); c.6701A>C, p.Lys2234Thr (NM_001354898.2); c.6692A>C, p.Lys2231Thr (NM_001354899.2); c.6653A>C, p.Lys2218Thr (NM_001354900.2); c.6599A>C, p.Lys2200Thr (NM_001354901.2); and 5 more; short protein forms K2158T, K2218T, K2231T, K2241T, K2133T, K2277T, K2099T, K2200T.
Identifiers: ClinVar variation 971770 (VCV000971770.13), dbSNP rs1766298106, ClinGen allele CA16036129.